The following is an entry in ClinVar:

ClinVar aggregate classification (germline): Conflicting classifications of pathogenicity. Review status: criteria provided, conflicting classifications (1 of 4 stars). 8 submissions from 8 submitters: Uncertain significance (7); Likely benign (1). Last evaluated 2025-09-29.

Conditions:
Familial adenomatous polyposis 1 (FAP1). Also called: FAMILIAL ADENOMATOUS POLYPOSIS 1, ATTENUATED; POLYPOSIS, ADENOMATOUS INTESTINAL. Identifiers: MedGen C2713442, MONDO:0021056, OMIM 175100. Disease mechanism: loss of function.
Hereditary cancer-predisposing syndrome. Also called: Tumor predisposition; Hereditary Cancer Syndrome; Hereditary neoplastic syndrome; Neoplastic Syndromes, Hereditary. Identifiers: Orphanet 140162, MedGen C0027672, MeSH D009386, MONDO:0015356.
Classic or attenuated familial adenomatous polyposis. Identifiers: MedGen CN372698, MONDO:0021057.

Allele frequency attached by ClinVar (database versions not stated): ExAC 0.00001; gnomAD 0.00001 and 0.00002; gnomAD exomes 0.00001; TOPMed 0.00001.
gnomAD v4.1: 7 of 1,614,052 alleles (0.00043%); highest among the groups gnomAD compares: Admixed American, 0.0017%; no homozygotes.

Submissions (8):

Labcorp Genetics (formerly Invitae), Labcorp
Classification: Uncertain significance for Familial adenomatous polyposis 1. Last evaluated: 2025-09-29. Review status: criteria provided, single submitter. Criteria: Invitae Variant Classification Sherloc (09022015). Collection method: clinical testing. Allele origin: germline.
Comment: This sequence change replaces asparagine, which is neutral and polar, with serine, which is neutral and polar, at codon 804 of the APC protein (p.Asn804Ser). This variant is present in population databases (rs775727621, gnomAD 0.003%). This variant has not been reported in the literature in individuals affected with APC-related conditions. ClinVar contains an entry for this variant (Variation ID: 411401). Invitae Evidence Modeling of protein sequence and biophysical properties (such as structural, functional, and spatial information, amino acid conservation, physicochemical variation, residue mobility, and thermodynamic stability) indicates that this missense variant is not expected to disrupt APC protein function with a negative predictive value of 95%. RNA analysis performed to evaluate the impact of this missense change on mRNA splicing indicates it does not significantly alter splicing (internal data). In summary, the available evidence is currently insufficient to determine the role of this variant in disease. Therefore, it has been classified as a Variant of Uncertain Significance.

Women's Health and Genetics/Laboratory Corporation of America, LabCorp
Classification: Uncertain significance. Last evaluated: 2025-06-20. Review status: criteria provided, single submitter. Criteria: LabCorp Variant Classification Summary - May 2015. Collection method: clinical testing. Allele origin: germline.
Comment: Variant summary: APC c.2411A>G (p.Asn804Ser) results in a conservative amino acid change in the encoded protein sequence. Algorithms developed to predict the effect of missense changes on protein structure and function all suggest that this variant is likely to be tolerated. The variant allele was found at a frequency of 8e-06 in 250848 control chromosomes. The available data on variant occurrences in the general population are insufficient to allow any conclusion about variant significance. c.2411A>G has been observed in an individual affected with breast cancer, without strong evidence for causality (Tung_2015). This report does not provide unequivocal conclusions about association of the variant with Familial Adenomatous Polyposis. To our knowledge, no experimental evidence demonstrating an impact on protein function has been reported. The following publication have been ascertained in the context of this evaluation (PMID: 25186627). ClinVar contains an entry for this variant (Variation ID: 411401). Based on the evidence outlined above, the variant was classified as uncertain significance.

Ambry Genetics
Classification: Likely benign for Hereditary cancer-predisposing syndrome. Last evaluated: 2025-02-17. Review status: criteria provided, single submitter. Criteria: Ambry Variant Classification Scheme 2023. Collection method: clinical testing. Allele origin: germline.

Baylor Genetics
Classification: Uncertain significance for Familial adenomatous polyposis 1. Last evaluated: 2024-03-27. Review status: criteria provided, single submitter. Criteria: ACMG Guidelines, 2015. Collection method: clinical testing. Allele origin: unknown.

All of Us Research Program, National Institutes of Health
Classification: Uncertain significance for Classic or attenuated familial adenomatous polyposis. Last evaluated: 2023-11-28. Review status: criteria provided, single submitter. Criteria: ACMG Guidelines, 2015. Collection method: clinical testing. Allele origin: germline. Inheritance: Autosomal dominant inheritance. Observed: 2 variant alleles, 2 heterozygotes.
Comment: This missense variant replaces asparagine with serine at codon 804 of the APC protein. Computational prediction suggests that this variant may not impact protein structure and function (internally defined REVEL score threshold <= 0.5, PMID: 27666373). To our knowledge, functional studies have not been reported for this variant. This variant has not been reported in individuals affected with APC-related disorders in the literature. This variant has been identified in 3/282250 chromosomes in the general population by the Genome Aggregation Database (gnomAD). The available evidence is insufficient to determine the role of this variant in disease conclusively. Therefore, this variant is classified as a Variant of Uncertain Significance.

This study involves interpretation of variants in research participants for the purpose of population health screening. Participant phenotype was not available at the time of variant classification. Additional details can be found in publication PMID: 35346344, PMCID: PMC8962531

Color Diagnostics, LLC DBA Color Health
Classification: Uncertain significance for Hereditary cancer-predisposing syndrome. Last evaluated: 2023-04-19. Review status: criteria provided, single submitter. Criteria: ACMG Guidelines, 2015. Collection method: clinical testing. Allele origin: germline.
Comment: This missense variant replaces asparagine with serine at codon 804 of the APC protein. Computational prediction suggests that this variant may not impact protein structure and function (internally defined REVEL score threshold <= 0.5, PMID: 27666373). To our knowledge, functional studies have not been reported for this variant. This variant has not been reported in individuals affected with APC-related disorders in the literature. This variant has been identified in 3/282250 chromosomes in the general population by the Genome Aggregation Database (gnomAD). The available evidence is insufficient to determine the role of this variant in disease conclusively. Therefore, this variant is classified as a Variant of Uncertain Significance.

Sema4
Classification: Uncertain significance for Hereditary cancer-predisposing syndrome. Last evaluated: 2021-12-20. Review status: criteria provided, single submitter. Criteria: Sema4 Curation Guidelines. Collection method: curation. Allele origin: germline.
Comment: The APC c.2411A>G (p.N804S) variant has been reported in at least one individual with breast cancer (PMID: 25186627). It was observed in 6/282520 in the large and broad cohorts of the Genome Aggregation Database (PMID: 32461654). This variant has been reported in ClinVar (Variation ID 411401). Functional studies have not been performed, and in silico predictions of the variant's effect on protein function are inconclusive. The evidence is insufficient to meet ACMG/AMP criteria for classifying the variant as benign or pathogenic. Thus, the clinical significance of this variant is currently uncertain.

GeneDx
Classification: Uncertain significance. Last evaluated: 2018-11-28. Review status: criteria provided, single submitter. Criteria: GeneDx Variant Classification (06012015). Collection method: clinical testing. Allele origin: germline. Affected: yes.
Comment: This variant is denoted APC c.2411A>G at the cDNA level, p.Asn804Ser (N804S) at the protein level, and results in the change of an Asparagine to a Serine (AAT>AGT). This variant has been observed in at least one individual with breast cancer (Tung 2015). APC Asn804Ser was not observed at a significant allele frequency in large population cohorts (Lek 2016). This variant is not located in a known functional domain. In silico analyses predict that this variant is unlikely to alter protein structure or function. Based on currently available evidence, it is unclear whether APC Asn804Ser is a pathogenic or benign variant. We consider it to be a variant of uncertain significance.

Literature cited by the submitters: PubMed 25186627 (cited by 3 submitters).

NM_000038.6(APC):c.2411A>G (p.Asn804Ser)

Gene: APC (APC regulator of Wnt signaling pathway; plus strand). Cytogenetic location: 5q22.2.
Variant type: single nucleotide variant.
Coding change: c.2411A>G on transcript NM_000038.6 (MANE Select); coding-DNA position 2411, A replaced by G.
Protein change: p.Asn804Ser; replaces asparagine 804 with serine.
Molecular consequence: missense variant.
Genome position (GRCh38, 1-based): chr5:112,838,005, A>G. VCF-style: chr5-112838005-A-G. GRCh37 (hg19) VCF-style: chr5-112173702-A-G.
Other names: c.2411A>G, p.Asn804Ser (NM_001127510.3, NM_001354895.2); c.2357A>G, p.Asn786Ser (NM_001127511.3); c.2465A>G, p.Asn822Ser (NM_001354896.2); c.2441A>G, p.Asn814Ser (NM_001354897.2); c.2336A>G, p.Asn779Ser (NM_001354898.2); c.2327A>G, p.Asn776Ser (NM_001354899.2); c.2288A>G, p.Asn763Ser (NM_001354900.2); c.2234A>G, p.Asn745Ser (NM_001354901.2); and 5 more; short protein forms N786S, N804S, N521S, N745S, N678S, N776S, N779S, N822S.
Identifiers: ClinVar variation 411401 (VCV000411401.28), dbSNP rs775727621, ClinGen allele CA031883.